The following is an entry in ClinVar:

ClinVar aggregate classification (germline): Uncertain significance. Review status: criteria provided, multiple submitters, no conflicts (2 of 4 stars). 3 submissions from 3 submitters: Uncertain significance (3). Last evaluated 2023-11-03.

Conditions:
Inborn genetic diseases. Identifiers: MedGen C0950123, MeSH D030342.

Allele frequency attached by ClinVar (database versions not stated): ExAC 0.00002; gnomAD 0.00003; ESP Exome Variant Server 0.00008; TOPMed 0.00008; 1000 Genomes Project 30x 0.00016; 1000 Genomes Project 0.00020.
gnomAD v4.1: 11 of 1,613,672 alleles (0.00068%); highest among the groups gnomAD compares: Admixed American, 0.01%; no homozygotes.

Submissions (3):

Ambry Genetics
Classification: Uncertain significance for Inborn genetic diseases. Last evaluated: 2023-11-03. Review status: criteria provided, single submitter. Criteria: Ambry Variant Classification Scheme 2023. Collection method: clinical testing. Allele origin: germline.

Labcorp Genetics (formerly Invitae), Labcorp
Classification: Uncertain significance. Last evaluated: 2022-08-31. Review status: criteria provided, single submitter. Criteria: Invitae Variant Classification Sherloc (09022015). Collection method: clinical testing. Allele origin: germline.
Comment: This sequence change replaces valine, which is neutral and non-polar, with methionine, which is neutral and non-polar, at codon 397 of the TRIM37 protein (p.Val397Met). This variant is present in population databases (rs148604776, gnomAD 0.004%). This variant has not been reported in the literature in individuals affected with TRIM37-related conditions. Algorithms developed to predict the effect of missense changes on protein structure and function are either unavailable or do not agree on the potential impact of this missense change (SIFT: "Not Available"; PolyPhen-2: "Probably Damaging"; Align-GVGD: "Not Available"). In summary, the available evidence is currently insufficient to determine the role of this variant in disease. Therefore, it has been classified as a Variant of Uncertain Significance.

Mayo Clinic Laboratories, Mayo Clinic
Classification: Uncertain significance. Last evaluated: 2022-07-26. Review status: criteria provided, single submitter. Criteria: ACMG Guidelines, 2015. Collection method: clinical testing. Allele origin: germline. Observed: 1 variant allele.
Comment: BP4, PM2

NM_015294.6(TRIM37):c.1189G>A (p.Val397Met)

Gene: TRIM37 (tripartite motif containing 37; minus strand). Cytogenetic location: 17q22.
Variant type: single nucleotide variant.
Coding change: c.1189G>A on transcript NM_015294.6 (MANE Select); coding-DNA position 1189, G replaced by A.
Protein change: p.Val397Met; replaces valine 397 with methionine.
Molecular consequence: missense variant. On other transcripts: non-coding transcript variant (2).
Genome position (GRCh38, 1-based): chr17:59,056,885, C>T on the plus strand (G>A on the coding strand, the complement: TRIM37 is on the minus strand). VCF-style: chr17-59056885-C-T. GRCh37 (hg19) VCF-style: chr17-57134246-C-T.
Other names: p.Val397Met; c.1189G>A, p.Val397Met (NM_001005207.5, NM_001320988.3, NM_001320989.3 and 1 more transcripts); c.1087G>A, p.Val363Met (NM_001320987.3, NM_001353082.2); c.823G>A, p.Val275Met (NM_001320990.3); c.454G>A, p.Val152Met (NM_001353083.2); c.727G>A, p.Val243Met (NM_001353085.2); c.1138G>A, p.Val380Met (NM_001353086.2); c.1189G>A (NM_015294.3); short protein forms V397M, V152M, V275M, V243M, V363M, V380M.
Identifiers: ClinVar variation 2186486 (VCV002186486.3), dbSNP rs148604776, ClinGen allele CA8678389.